The following is an entry in ClinVar:

ClinVar aggregate classification (germline): Uncertain significance (1 of 4 stars; one submission).

Submission:

GeneDx
Classification: Uncertain significance. Last evaluated: 2024-04-30. Review status: criteria provided, single submitter. Criteria: GeneDx Variant Classification Process June 2021. Collection method: clinical testing. Allele origin: germline. Affected: yes.
Comment: Not observed at significant frequency in large population cohorts (gnomAD); In silico analysis indicates that this missense variant does not alter protein structure/function; Has not been previously published as pathogenic or benign to our knowledge

NM_001845.6(COL4A1):c.4257A>C (p.Arg1419Ser)

Gene: COL4A1 (collagen type IV alpha 1 chain; minus strand). Cytogenetic location: 13q34.
Variant type: single nucleotide variant.
Coding change: c.4257A>C on transcript NM_001845.6 (MANE Select); coding-DNA position 4257, A replaced by C.
Protein change: p.Arg1419Ser; replaces arginine 1419 with serine.
Molecular consequence: missense variant.
Genome position (GRCh38, 1-based): chr13:110,162,435, T>G on the plus strand (A>C on the coding strand, the complement: COL4A1 is on the minus strand). VCF-style: chr13-110162435-T-G. GRCh37 (hg19) VCF-style: chr13-110814782-T-G.
Other names: short protein forms R1419S.
Identifiers: ClinVar variation 3373267 (VCV003373267.1).